The following is an entry in ClinVar:

ClinVar aggregate classification (germline): Uncertain significance. Review status: criteria provided, multiple submitters, no conflicts (2 of 4 stars). 4 submissions from 4 submitters: Uncertain significance (4). Last evaluated 2026-04-16.

Conditions:
Hereditary cancer-predisposing syndrome. Also called: Tumor predisposition; Hereditary Cancer Syndrome; Neoplastic Syndromes, Hereditary; Hereditary neoplastic syndrome. Identifiers: Orphanet 140162, MedGen C0027672, MeSH D009386, MONDO:0015356.
Neuroblastoma, susceptibility to, 3. Also called: ALK-Related Neuroblastic Tumor Susceptibility. Identifiers: Orphanet 635, MedGen C2751681, MONDO:0013083, OMIM 613014.

Allele frequency attached by ClinVar (database versions not stated): gnomAD 0.00003; gnomAD exomes below 0.00001 and 0.00001; ExAC 0.00001; TOPMed 0.00002.
gnomAD v4.1: 22 of 1,614,114 alleles (0.0014%); highest among the groups gnomAD compares: Non-Finnish European, 0.0018%; no homozygotes.

Submissions (4):

Ambry Genetics
Classification: Uncertain significance for Hereditary cancer-predisposing syndrome. Last evaluated: 2026-04-16. Review status: criteria provided, single submitter. Criteria: Ambry Variant Classification Scheme 2023. Collection method: clinical testing. Allele origin: germline.
Comment: The p.G818R variant (also known as c.2452G>A), located in coding exon 14 of the ALK gene, results from a G to A substitution at nucleotide position 2452. The glycine at codon 818 is replaced by arginine, an amino acid with dissimilar properties. This variant was detected as heterozygous in individual(s) with no reported features of neuroblastic tumor predisposition (Ambry internal data). This amino acid position is highly conserved in available vertebrate species. In addition, the in silico prediction for this alteration is inconclusive. Based on the available evidence, the clinical significance of this variant remains unclear.

Labcorp Genetics (formerly Invitae), Labcorp
Classification: Uncertain significance for Neuroblastoma, susceptibility to, 3. Last evaluated: 2026-01-14. Review status: criteria provided, single submitter. Criteria: Invitae Variant Classification Sherloc (09022015). Collection method: clinical testing. Allele origin: germline.
Comment: This sequence change replaces glycine, which is neutral and non-polar, with arginine, which is basic and polar, at codon 818 of the ALK protein (p.Gly818Arg). This variant is present in population databases (rs777803249, gnomAD 0.002%). This variant has not been reported in the literature in individuals affected with ALK-related conditions. ClinVar contains an entry for this variant (Variation ID: 582105). An algorithm developed to predict the effect of missense changes on protein structure and function (PolyPhen-2) suggests that this variant is likely to be disruptive. In summary, the available evidence is currently insufficient to determine the role of this variant in disease. Therefore, it has been classified as a Variant of Uncertain Significance.

GeneDx
Classification: Uncertain significance. Last evaluated: 2024-03-12. Review status: criteria provided, single submitter. Criteria: GeneDx Variant Classification Process June 2021. Collection method: clinical testing. Allele origin: germline. Affected: yes.
Comment: Not observed at significant frequency in large population cohorts (gnomAD); In silico analysis supports that this missense variant has a deleterious effect on protein structure/function; Has not been previously published as pathogenic or benign to our knowledge; This variant is associated with the following publications: (PMID: 25714698)

Illumina Laboratory Services, Illumina
Classification: Uncertain significance for Neuroblastoma, susceptibility to, 3. Last evaluated: 2017-04-27. Review status: criteria provided, single submitter. Criteria: ICSL Variant Classification Criteria 13 December 2019. Collection method: clinical testing. Allele origin: germline.
Comment: This variant was observed as part of a predisposition screen in an ostensibly healthy population. A literature search was performed for the gene, cDNA change, and amino acid change (where applicable). Publications were found based on this search. However, the evidence from the literature, in combination with allele frequency data from public databases where available, was not sufficient to rule this variant in or out of causing disease. Therefore, this variant is classified as a variant of unknown significance.

Literature cited by the submitters: PubMed 25714698 (cited by Illumina Laboratory Services, Illumina).

NM_004304.5(ALK):c.2452G>A (p.Gly818Arg)

Gene: ALK (ALK receptor tyrosine kinase; minus strand). Cytogenetic location: 2p23.2.
Variant type: single nucleotide variant.
Coding change: c.2452G>A on transcript NM_004304.5 (MANE Select); coding-DNA position 2452, G replaced by A.
Protein change: p.Gly818Arg; replaces glycine 818 with arginine.
Molecular consequence: missense variant.
Genome position (GRCh38, 1-based): chr2:29,233,600, C>T on the plus strand (G>A on the coding strand, the complement: ALK is on the minus strand). VCF-style: chr2-29233600-C-T. GRCh37 (hg19) VCF-style: chr2-29456466-C-T.
Other names: short protein forms G818R.
Identifiers: ClinVar variation 582105 (VCV000582105.15), dbSNP rs777803249, ClinGen allele CA1594309.